The following is an entry in ClinVar:

NM_182925.5(FLT4):c.2797G>T (p.Gly933Cys)

Gene: FLT4 (fms related receptor tyrosine kinase 4; minus strand). Cytogenetic location: 5q35.3.
Variant type: single nucleotide variant.
Coding change: c.2797G>T on transcript NM_182925.5 (MANE Select); coding-DNA position 2797, G replaced by T.
Protein change: p.Gly933Cys; replaces glycine 933 with cysteine.
Molecular consequence: missense variant.
Genome position (GRCh38, 1-based): chr5:180,619,074, C>A on the plus strand (G>T on the coding strand, the complement: FLT4 is on the minus strand). VCF-style: chr5-180619074-C-A. GRCh37 (hg19) VCF-style: chr5-180046074-C-A.
Other names: c.2797G>T, p.Gly933Cys (NM_001354989.2, NM_002020.5); short protein forms G933C.
Identifiers: ClinVar variation 4975108 (VCV004975108.1).
Genomic context (GRCh38, chr5:180,619,074, plus strand): 5'-CGCTCACCGCGCAGGGGCTGAAGGCGTCCCGCTTGGCGCGCAGGAAGTTGGAGAGGTTGC[C>A]GTACTTGCAGAACTCCACGATCACCATGAGGGGGCCTGCGGCGGGACCGGGCGGCGGCCG-3'
Protein context (NP_891555.2, residues 923-943): LMVIVEFCKY[Gly933Cys]NLSNFLRAKR

ClinVar aggregate classification (germline): Likely pathogenic (1 of 4 stars; one submission).

Submission:

GeneDx
Classification: Likely pathogenic. Last evaluated: 2026-02-03. Review status: criteria provided, single submitter. Criteria: GeneDx Variant Classification Process June 2021. Collection method: clinical testing. Allele origin: germline.
Comment: Not observed at significant frequency in large population cohorts (gnomAD); In silico analysis supports that this missense variant has a deleterious effect on protein structure/function; Has not been previously published as pathogenic or benign to our knowledge; This variant is associated with the following publications: (PMID: 10835628, 11114740)